The following is an entry in ClinVar:

ClinVar aggregate classification (germline): Uncertain significance (1 of 4 stars; one submission).

Conditions:
Seizures, benign familial infantile, 3 (BFIS3). Also called: Familial neonatal seizures; CONVULSIONS, BENIGN FAMILIAL INFANTILE, 3. Identifiers: Orphanet 140927, Orphanet 306, MedGen C1843140, MONDO:0011904, OMIM 607745.
Developmental and epileptic encephalopathy, 11 (DEE11). Also called: Early infantile epileptic encephalopathy 11. Identifiers: Orphanet 1934, MedGen C3150987, MONDO:0013388, OMIM 613721.

Allele frequency attached by ClinVar (database versions not stated): gnomAD exomes below 0.00001; TOPMed below 0.00001.
gnomAD v4.1: 3 of 1,613,978 alleles (0.00019%); highest among the groups gnomAD compares: Non-Finnish European, 0.000085%; no homozygotes.

Submission:

Labcorp Genetics (formerly Invitae), Labcorp
Classification: Uncertain significance for Seizures, benign familial infantile, 3; Developmental and epileptic encephalopathy, 11. Last evaluated: 2023-11-24. Review status: criteria provided, single submitter. Criteria: Invitae Variant Classification Sherloc (09022015). Collection method: clinical testing. Allele origin: germline.
Comment: This sequence change replaces glutamic acid, which is acidic and polar, with lysine, which is basic and polar, at codon 1155 of the SCN2A protein (p.Glu1155Lys). This variant is not present in population databases (gnomAD no frequency). This variant has not been reported in the literature in individuals affected with SCN2A-related conditions. Advanced modeling of protein sequence and biophysical properties (such as structural, functional, and spatial information, amino acid conservation, physicochemical variation, residue mobility, and thermodynamic stability) performed at Invitae indicates that this missense variant is not expected to disrupt SCN2A protein function with a negative predictive value of 95%. In summary, the available evidence is currently insufficient to determine the role of this variant in disease. Therefore, it has been classified as a Variant of Uncertain Significance.

NM_001040142.2(SCN2A):c.3463G>A (p.Glu1155Lys)

Gene: SCN2A (sodium voltage-gated channel alpha subunit 2; plus strand). Cytogenetic location: 2q24.3.
Variant type: single nucleotide variant.
Coding change: c.3463G>A on transcript NM_001040142.2 (MANE Select); coding-DNA position 3463, G replaced by A.
Protein change: p.Glu1155Lys; replaces glutamic acid 1155 with lysine.
Molecular consequence: missense variant.
Genome position (GRCh38, 1-based): chr2:165,365,206, G>A. VCF-style: chr2-165365206-G-A. GRCh37 (hg19) VCF-style: chr2-166221716-G-A.
Other names: c.3463G>A, p.Glu1155Lys (NM_001040143.2, NM_001371246.1, NM_001371247.1 and 1 more transcripts); short protein forms E1155K.
Identifiers: ClinVar variation 2954134 (VCV002954134.3), dbSNP rs1553589022, ClinGen allele CA349024692.